The following is an entry in ClinVar:

NM_022821.4(ELOVL1):c.799C>A (p.Gln267Lys)

Gene: ELOVL1 (ELOVL fatty acid elongase 1; minus strand). Cytogenetic location: 1p34.2.
Variant type: single nucleotide variant.
Coding change: c.799C>A on transcript NM_022821.4 (MANE Select); coding-DNA position 799, C replaced by A.
Protein change: p.Gln267Lys; replaces glutamine 267 with lysine.
Molecular consequence: missense variant. On other transcripts: non-coding transcript variant (1).
Genome position (GRCh38, 1-based): chr1:43,363,957, G>T on the plus strand (C>A on the coding strand, the complement: ELOVL1 is on the minus strand). VCF-style: chr1-43363957-G-T. GRCh37 (hg19) VCF-style: chr1-43829628-G-T.
Other names: c.799C>A, p.Gln267Lys (NM_001256399.2); c.718C>A, p.Gln240Lys (NM_001256401.2); c.556C>A, p.Gln186Lys (NM_001256402.2); short protein forms Q186K, Q267K, Q240K.
Identifiers: ClinVar variation 4984382 (VCV004984382.1).
Genomic context (GRCh38, chr1:43,363,957, plus strand): 5'-CCTATCTAGGCCATGCTTCTCAGTTGGCCTTGACCTTGGCAATACCTGGAGCTCCATTTT[G>T]CTGAAGTGCACGGGGCAGCCGCTTGCCCTTGGTATAAGAGTGATACCAGAAGTTGGAGAA-3'
Protein context (NP_073732.1, residues 257-277): KGKRLPRALQ[Gln267Lys]NGAPGIAKVK

ClinVar aggregate classification (germline): Uncertain significance (1 of 4 stars; one submission).

Conditions:
ELOVL1-related disorder. Also called: ELOVL1-related condition.

gnomAD v4.1: 1 of 1,613,976 alleles (0.000062%); highest among the groups gnomAD compares: Non-Finnish European, 0.000085%; no homozygotes.

Submission:

PreventionGenetics, part of Exact Sciences
Classification: Uncertain significance for ELOVL1-related condition. Last evaluated: 2025-04-10. Review status: criteria provided, single submitter. Criteria: ACMG Guidelines, 2015. Collection method: clinical testing. Allele origin: germline.
Comment: The ELOVL1 c.799C>A variant is predicted to result in the amino acid substitution p.Gln267Lys. To our knowledge, this variant has not been reported in the literature or in a large population database (gnomAD), indicating this variant is rare. At this time, the clinical significance of this variant is uncertain due to the absence of conclusive functional and genetic evidence.